The following is an entry in ClinVar:

NM_000138.5(FBN1):c.4210G>T (p.Asp1404Tyr)

Gene: FBN1 (fibrillin 1; minus strand). Cytogenetic location: 15q21.1.
Variant type: single nucleotide variant.
Coding change: c.4210G>T on transcript NM_000138.5 (MANE Select); coding-DNA position 4210, G replaced by T.
Protein change: p.Asp1404Tyr; replaces aspartic acid 1404 with tyrosine.
Molecular consequence: missense variant.
Genome position (GRCh38, 1-based): chr15:48,474,255, C>A on the plus strand (G>T on the coding strand, the complement: FBN1 is on the minus strand). VCF-style: chr15-48474255-C-A. GRCh37 (hg19) VCF-style: chr15-48766452-C-A.
Other names: c.4210G>T, p.Asp1404Tyr (NM_001406716.1); short protein forms D1404Y.
Identifiers: ClinVar variation 3338879 (VCV003338879.1).

ClinVar aggregate classification (germline): Likely pathogenic (1 of 4 stars; one submission).

Submission:

GeneDx
Classification: Likely pathogenic. Last evaluated: 2024-02-26. Review status: criteria provided, single submitter. Criteria: GeneDx Variant Classification Process June 2021. Collection method: clinical testing. Allele origin: germline. Affected: yes.
Comment: Not observed at significant frequency in large population cohorts (gnomAD); In silico analysis supports that this missense variant has a deleterious effect on protein structure/function; In addition, in silico splice predictors suggest this variant may lead to abnormal gene splicing; This variant is associated with the following publications: (PMID: 20591885, 9338581)